The following is an entry in ClinVar:

NM_002900.3(RBP3):c.1171G>C (p.Gly391Arg)

Gene: RBP3 (retinol binding protein 3; plus strand). Cytogenetic location: 10q11.22.
Variant type: single nucleotide variant.
Coding change: c.1171G>C on transcript NM_002900.3 (MANE Select); coding-DNA position 1171, G replaced by C.
Protein change: p.Gly391Arg; replaces glycine 391 with arginine.
Molecular consequence: missense variant.
Genome position (GRCh38, 1-based): chr10:47,349,655, G>C. VCF-style: chr10-47349655-G-C. GRCh37 (hg19) VCF-style: chr10-48389707-C-G.
Other names: short protein forms G391R.
Identifiers: ClinVar variation 2085784 (VCV002085784.2), dbSNP rs142210499, ClinGen allele CA5487591.

ClinVar aggregate classification (germline): Uncertain significance. Review status: criteria provided, multiple submitters, no conflicts (2 of 4 stars). 2 submissions from 2 submitters: Uncertain significance (2). Last evaluated 2023-10-10.

gnomAD v4.1: 22 of 1,612,054 alleles (0.0014%); highest among the groups gnomAD compares: South Asian, 0.023%; no homozygotes.

Submissions (2):

Blueprint Genetics
Classification: Uncertain significance. Last evaluated: 2023-10-10. Review status: criteria provided, single submitter. Criteria: ACMG Guidelines, 2015. Collection method: clinical testing. Allele origin: germline.

Labcorp Genetics (formerly Invitae), Labcorp
Classification: Uncertain significance. Last evaluated: 2022-08-19. Review status: criteria provided, single submitter. Criteria: Invitae Variant Classification Sherloc (09022015). Collection method: clinical testing. Allele origin: germline.
Comment: This sequence change replaces glycine, which is neutral and non-polar, with arginine, which is basic and polar, at codon 391 of the RBP3 protein (p.Gly391Arg). This variant is present in population databases (rs142210499, gnomAD 0.02%). This variant has not been reported in the literature in individuals affected with RBP3-related conditions. Algorithms developed to predict the effect of missense changes on protein structure and function output the following: SIFT: "Tolerated"; PolyPhen-2: "Benign"; Align-GVGD: "Class C0". The arginine amino acid residue is found in multiple mammalian species, which suggests that this missense change does not adversely affect protein function. In summary, the available evidence is currently insufficient to determine the role of this variant in disease. Therefore, it has been classified as a Variant of Uncertain Significance.